The following is an entry in ClinVar:

NM_024675.4(PALB2):c.898del (p.Thr300fs)

Gene: PALB2 (partner and localizer of BRCA2; minus strand). Cytogenetic location: 16p12.2.
Variant type: Deletion.
Coding change: c.898del on transcript NM_024675.4 (MANE Select); coding-DNA position 898, one base deleted (A; older notation c.898delA).
Protein change: p.Thr300fs; shifts the reading frame from threonine 300.
Molecular consequence: frameshift variant. On other transcripts: intron variant (3).
Genome position (GRCh38, 1-based): chr16:23,635,648, T deleted on the plus strand (A on the coding strand, the reverse complement: PALB2 is on the minus strand). VCF-style (leftmost placement, unchanged base first): chr16-23635647-GT-G. GRCh37 (hg19) VCF-style: chr16-23646968-GT-G.
Other names: c.838del, p.Thr280fs (NM_001407296.1); c.898del, p.Thr300fs (NM_001407297.1, NM_001407298.1, NM_001407299.1 and 3 more transcripts); c.13del, p.Thr5fs (NM_001407304.1, NM_001407305.1, NM_001407306.1 and 5 more transcripts); c.48+5462del (NM_001407314.1); c.-104-5179del (NM_001407313.1, NM_001407312.1); short protein forms T280fs, T300fs, T5fs.
Identifiers: ClinVar variation 2674186 (VCV002674186.1), dbSNP rs2506496389, ClinGen allele CA2695197529.

ClinVar aggregate classification (germline): Pathogenic (1 of 4 stars; one submission).

Conditions:
Familial cancer of breast. Also called: Hereditary breast cancer; BREAST CANCER, FAMILIAL; hereditary breast carcinoma. Identifiers: Orphanet 227535, MedGen C0346153, MONDO:0016419, OMIM 114480. Disease mechanism: loss of function.

Submission:

Myriad Genetics, Inc.
Classification: Pathogenic for Familial cancer of breast. Last evaluated: 2023-09-07. Review status: criteria provided, single submitter. Criteria: Myriad Autosomal Dominant, Autosomal Recessive and X-Linked Classification Criteria (2023). Collection method: clinical testing. Allele origin: unknown.
Comment: This variant is considered pathogenic. This variant creates a frameshift predicted to result in premature protein truncation.